The following is an entry in ClinVar:

ClinVar aggregate classification (germline): Uncertain significance. Review status: criteria provided, multiple submitters, no conflicts (2 of 4 stars). 3 submissions from 3 submitters: Uncertain significance (3). Last evaluated 2025-12-09.

Conditions:
Aortic aneurysm, familial thoracic 7 (AAT7). Also called: AORTIC DISSECTION, FAMILIAL, WITH OR WITHOUT AORTIC ANEURYSM. Identifiers: MedGen C3151077, MONDO:0013418, OMIM 613780.

Submissions (3):

Labcorp Genetics (formerly Invitae), Labcorp
Classification: Uncertain significance for Aortic aneurysm, familial thoracic 7. Last evaluated: 2025-12-09. Review status: criteria provided, single submitter. Criteria: Invitae Variant Classification Sherloc (09022015). Collection method: clinical testing. Allele origin: germline.
Comment: This sequence change replaces proline, which is neutral and non-polar, with arginine, which is basic and polar, at codon 300 of the MYLK protein (p.Pro300Arg). This variant is not present in population databases (gnomAD no frequency). This variant has not been reported in the literature in individuals affected with MYLK-related conditions. ClinVar contains an entry for this variant (Variation ID: 1703908). Invitae Evidence Modeling of protein sequence and biophysical properties (such as structural, functional, and spatial information, amino acid conservation, physicochemical variation, residue mobility, and thermodynamic stability) indicates that this missense variant is not expected to disrupt MYLK protein function with a negative predictive value of 95%. In summary, the available evidence is currently insufficient to determine the role of this variant in disease. Therefore, it has been classified as a Variant of Uncertain Significance.

Women's Health and Genetics/Laboratory Corporation of America, LabCorp
Classification: Uncertain significance. Last evaluated: 2024-08-27. Review status: criteria provided, single submitter. Criteria: LabCorp Variant Classification Summary - May 2015. Collection method: clinical testing. Allele origin: germline.

GeneDx
Classification: Uncertain significance. Last evaluated: 2022-02-28. Review status: criteria provided, single submitter. Criteria: GeneDx Variant Classification Process June 2021. Collection method: clinical testing. Allele origin: germline. Affected: yes.
Comment: Has not been previously published as pathogenic or benign to our knowledge; Not observed at significant frequency in large population cohorts (gnomAD); In silico analysis supports that this missense variant does not alter protein structure/function

NM_053025.4(MYLK):c.899C>G (p.Pro300Arg)

Gene: MYLK (myosin light chain kinase; minus strand). Cytogenetic location: 3q21.1.
Variant type: single nucleotide variant.
Coding change: c.899C>G on transcript NM_053025.4 (MANE Select); coding-DNA position 899, C replaced by G.
Protein change: p.Pro300Arg; replaces proline 300 with arginine.
Molecular consequence: missense variant.
Genome position (GRCh38, 1-based): chr3:123,734,097, G>C on the plus strand (C>G on the coding strand, the complement: MYLK is on the minus strand). VCF-style: chr3-123734097-G-C. GRCh37 (hg19) VCF-style: chr3-123452944-G-C.
Other names: c.371C>G, p.Pro124Arg (NM_001321309.2); c.899C>G, p.Pro300Arg (NM_053026.4, NM_053027.4, NM_053028.4); short protein forms P124R, P300R.
Identifiers: ClinVar variation 1703908 (VCV001703908.8), dbSNP rs2474567506, ClinGen allele CA354239909.